The following is an entry in ClinVar:

ClinVar aggregate classification (germline): Likely benign (0 of 4 stars; one submission).

Conditions:
MIF-related disorder. Also called: MIF-related condition.

Allele frequency attached by ClinVar (database versions not stated): TOPMed 0.00022; gnomAD 0.00023.

Submission:

PreventionGenetics, part of Exact Sciences
Classification: Likely benign for MIF-related condition. Last evaluated: 2019-04-08. Review status: no assertion criteria provided. Collection method: clinical testing. Allele origin: germline.
Comment: This variant is classified as likely benign based on ACMG/AMP sequence variant interpretation guidelines (Richards et al. 2015 PMID: 25741868, with internal and published modifications).

NM_002415.2(MIF):c.204C>A (p.Ile68=)

Genes: MIF (macrophage migration inhibitory factor; plus strand), MIF-AS1 (MIF antisense RNA 1; minus strand). Cytogenetic location: 22q11.23.
Variant type: single nucleotide variant.
Coding change: c.204C>A on transcript NM_002415.2 (MANE Select); coding-DNA position 204, C replaced by A.
Protein change: p.Ile68=; no amino-acid change (isoleucine 68 retained).
Molecular consequence: synonymous variant. On other transcripts: non-coding transcript variant (1).
Genome position (GRCh38, 1-based): chr22:23,894,867, C>A. VCF-style: chr22-23894867-C-A. GRCh37 (hg19) VCF-style: chr22-24237054-C-A.
Identifiers: ClinVar variation 3035802 (VCV003035802.2), dbSNP rs754953765, ClinGen allele CA10147400.